The following is an entry in ClinVar:

ClinVar aggregate classification (germline): Uncertain significance. Review status: criteria provided, single submitter (1 of 4 stars). 2 submissions from 2 submitters: Uncertain significance (1). 1 of the submissions does not count toward it. Last evaluated 2024-03-06.

Conditions:
Familial adenomatous polyposis 1 (FAP1). Also called: FAMILIAL ADENOMATOUS POLYPOSIS 1, ATTENUATED; POLYPOSIS, ADENOMATOUS INTESTINAL. Identifiers: MedGen C2713442, MONDO:0021056, OMIM 175100. Disease mechanism: loss of function.
Hereditary cancer-predisposing syndrome. Also called: Tumor predisposition; Hereditary neoplastic syndrome; Neoplastic Syndromes, Hereditary; Hereditary Cancer Syndrome. Identifiers: Orphanet 140162, MedGen C0027672, MeSH D009386, MONDO:0015356.

Submissions (2):

Color Diagnostics, LLC DBA Color Health
Classification: Uncertain significance for Hereditary cancer-predisposing syndrome. Last evaluated: 2024-03-06. Review status: criteria provided, single submitter. Criteria: ACMG Guidelines, 2015. Collection method: clinical testing. Allele origin: germline.
Comment: This missense variant replaces threonine with alanine at codon 1301 of the APC protein. Computational prediction suggests that this variant may not impact protein structure and function (internally defined REVEL score threshold <= 0.5, PMID: 27666373). To our knowledge, functional studies have not been reported for this variant. This variant has not been reported in individuals affected with hereditary cancer in the literature. This variant has not been identified in the general population by the Genome Aggregation Database (gnomAD). The available evidence is insufficient to determine the role of this variant in disease conclusively. Therefore, this variant is classified as a Variant of Uncertain Significance.

Labcorp Genetics (formerly Invitae), Labcorp
Classification: Uncertain significance for Adenomatous polyposis coli. Last evaluated: 2014-06-11. Review status: no assertion criteria provided. Collection method: clinical testing. Allele origin: germline. Not counted in ClinVar's aggregate classification.
Comment: This sequence change has not been reported in affected patients and has not been reported as a common polymorphism in the population. This sequence change affects a highly conserved amino acid, although algorithms developed to predict the effect of missense changes on protein structure and function (SIFT, MutationTaster, AlignGVGD) return conflicting predictions. There is no evidence to indicate that this sequence change is pathogenic. It is possible that this sequence change represents a benign polymorphism in the APC gene, although at this time the evidence is insufficient to prove that conclusively.

NM_000038.6(APC):c.3901A>G (p.Thr1301Ala)

Gene: APC (APC regulator of Wnt signaling pathway; plus strand). Cytogenetic location: 5q22.2.
Variant type: single nucleotide variant.
Coding change: c.3901A>G on transcript NM_000038.6 (MANE Select); coding-DNA position 3901, A replaced by G.
Protein change: p.Thr1301Ala; replaces threonine 1301 with alanine.
Molecular consequence: missense variant.
Genome position (GRCh38, 1-based): chr5:112,839,495, A>G. VCF-style: chr5-112839495-A-G. GRCh37 (hg19) VCF-style: chr5-112175192-A-G.
Other names: c.3901A>G, p.Thr1301Ala (NM_001127510.3, NM_001354895.2); c.3847A>G, p.Thr1283Ala (NM_001127511.3); c.3955A>G, p.Thr1319Ala (NM_001354896.2); c.3931A>G, p.Thr1311Ala (NM_001354897.2); c.3826A>G, p.Thr1276Ala (NM_001354898.2); c.3817A>G, p.Thr1273Ala (NM_001354899.2); c.3778A>G, p.Thr1260Ala (NM_001354900.2); c.3724A>G, p.Thr1242Ala (NM_001354901.2); and 5 more; short protein forms T1301A, T1283A, T1018A, T1141A, T1210A, T1319A, T1175A, T1200A.
Identifiers: ClinVar variation 135699 (VCV000135699.3), dbSNP rs587780596, ClinGen allele CA008739.